The following is an entry in ClinVar:

ClinVar aggregate classification (germline): Uncertain significance (1 of 4 stars; one submission).

Allele frequency attached by ClinVar (database versions not stated): gnomAD 0.00003; ExAC 0.00006; gnomAD exomes 0.00006; TOPMed 0.00003.
gnomAD v4.1: 30 of 1,613,992 alleles (0.0019%); highest among the groups gnomAD compares: Admixed American, 0.027%; no homozygotes.

Submission:

Labcorp Genetics (formerly Invitae), Labcorp
Classification: Uncertain significance. Last evaluated: 2022-02-05. Review status: criteria provided, single submitter. Criteria: Invitae Variant Classification Sherloc (09022015). Collection method: clinical testing. Allele origin: germline.
Comment: This sequence change replaces glycine, which is neutral and non-polar, with glutamic acid, which is acidic and polar, at codon 236 of the MYO5B protein (p.Gly236Glu). This variant is present in population databases (rs753603057, gnomAD 0.03%). This variant has not been reported in the literature in individuals affected with MYO5B-related conditions. Algorithms developed to predict the effect of missense changes on protein structure and function are either unavailable or do not agree on the potential impact of this missense change (SIFT: "Deleterious"; PolyPhen-2: "Probably Damaging"; Align-GVGD: "Class C0"). In summary, the available evidence is currently insufficient to determine the role of this variant in disease. Therefore, it has been classified as a Variant of Uncertain Significance.

NM_001080467.3(MYO5B):c.707G>A (p.Gly236Glu)

Gene: MYO5B (myosin VB; minus strand). Cytogenetic location: 18q21.1.
Variant type: single nucleotide variant.
Coding change: c.707G>A on transcript NM_001080467.3 (MANE Select); coding-DNA position 707, G replaced by A.
Protein change: p.Gly236Glu; replaces glycine 236 with glutamic acid.
Molecular consequence: missense variant.
Genome position (GRCh38, 1-based): chr18:49,992,337, C>T on the plus strand (G>A on the coding strand, the complement: MYO5B is on the minus strand). VCF-style: chr18-49992337-C-T. GRCh37 (hg19) VCF-style: chr18-47518707-C-T.
Other names: short protein forms G236E.
Identifiers: ClinVar variation 1446418 (VCV001446418.5), dbSNP rs753603057, ClinGen allele CA8961811.